The following is an entry in ClinVar:

NM_001184880.2(PCDH19):c.2616+1G>A

Genes: PCDH19 (protocadherin 19; minus strand), LOC125467768 (CDK7 strongly-dependent group 2 enhancer GRCh37_chrX:99657381-99658580; plus strand). Cytogenetic location: Xq22.1.
Variant type: single nucleotide variant.
Coding change: c.2616+1G>A on transcript NM_001184880.2 (MANE Select); the canonical splice donor site of the intron after coding-DNA position 2616, G replaced by A.
Molecular consequence: splice donor variant.
Genome position (GRCh38, 1-based): chrX:100,402,523, C>T on the plus strand (G>A on the coding strand, the complement: PCDH19 is on the minus strand). VCF-style: chrX-100402523-C-T. GRCh37 (hg19) VCF-style: chrX-99657521-C-T.
Other names: c.2475+1G>A (NM_020766.3, NM_001105243.2).
Identifiers: ClinVar variation 657366 (VCV000657366.7), dbSNP rs1602632270, ClinGen allele CA414005167.

ClinVar aggregate classification (germline): Likely pathogenic (1 of 4 stars; one submission).

Conditions:
Developmental and epileptic encephalopathy, 9 (DEE9). Also called: EPILEPSY, FEMALE-RESTRICTED, WITH MENTAL RETARDATION; JUBERG-HELLMAN SYNDROME; PCDH19-Related X-Linked Female-Limited Epilepsy with Mental Retardation; Early infantile epileptic encephalopathy 9. Identifiers: Orphanet 101039, Orphanet 2076, MedGen C1848137, MONDO:0010246, OMIM 300088. Disease mechanism: loss of function.

Submission:

Labcorp Genetics (formerly Invitae), Labcorp
Classification: Likely pathogenic for Developmental and epileptic encephalopathy, 9. Last evaluated: 2022-06-04. Review status: criteria provided, single submitter. Criteria: Invitae Variant Classification Sherloc (09022015). Collection method: clinical testing. Allele origin: germline.
Comment: This sequence change affects a donor splice site in intron 3 of the PCDH19 gene. It is expected to disrupt RNA splicing. Variants that disrupt the donor or acceptor splice site typically lead to a loss of protein function (PMID: 16199547), and loss-of-function variants in PCDH19 are known to be pathogenic (PMID: 21053371). This variant is not present in population databases (gnomAD no frequency). Disruption of this splice site has been observed in individual(s) with clinical features of PCDH19-related conditions (Invitae). ClinVar contains an entry for this variant (Variation ID: 657366). Algorithms developed to predict the effect of sequence changes on RNA splicing suggest that this variant may disrupt the consensus splice site. In summary, the currently available evidence indicates that the variant is pathogenic, but additional data are needed to prove that conclusively. Therefore, this variant has been classified as Likely Pathogenic.

Literature cited by the submitters: PubMed 16199547; PubMed 21053371.